The following is an entry in ClinVar:

NM_000052.7(ATP7A):c.1597A>G (p.Asn533Asp)

Gene: ATP7A (ATPase copper transporting alpha; plus strand). Cytogenetic location: Xq21.1.
Variant type: single nucleotide variant.
Coding change: c.1597A>G on transcript NM_000052.7 (MANE Select); coding-DNA position 1597, A replaced by G.
Protein change: p.Asn533Asp; replaces asparagine 533 with aspartic acid.
Molecular consequence: missense variant.
Genome position (GRCh38, 1-based): chrX:78,003,126, A>G. VCF-style: chrX-78003126-A-G. GRCh37 (hg19) VCF-style: chrX-77258623-A-G.
Other names: c.1597A>G, p.Asn533Asp (NM_001282224.2); short protein forms N533D.
Identifiers: ClinVar variation 392357 (VCV000392357.14), dbSNP rs1057524455, ClinGen allele CA16609216.

ClinVar aggregate classification (germline): Uncertain significance. Review status: criteria provided, multiple submitters, no conflicts (2 of 4 stars). 4 submissions from 4 submitters: Uncertain significance (3). 1 of the submissions does not count toward it. Last evaluated 2025-12-30.

Conditions:
Cutis laxa, X-linked (OHS). Also called: EDS IX; Occipital horn syndrome. Identifiers: Orphanet 198, MedGen C0268353, MONDO:0010572, OMIM 304150.
Menkes kinky-hair syndrome (MNK). Also called: Copper transport disease; Menkes Disease; Classic Menkes Disease. Identifiers: Orphanet 565, MedGen C0022716, MONDO:0010651, OMIM 309400.
X-linked distal spinal muscular atrophy type 3. Also called: ATP7A-Related Distal Motor Neuropathy; NEURONOPATHY, DISTAL HEREDITARY MOTOR, X-LINKED; NEUROPATHY, DISTAL HEREDITARY MOTOR, X-LINKED; SPINAL MUSCULAR ATROPHY, DISTAL, X-LINKED RECESSIVE. Identifiers: Orphanet 139557, MedGen C1845359, MONDO:0010338, OMIM 300489.

Allele frequency attached by ClinVar (database versions not stated): gnomAD exomes 0.00001; TOPMed 0.00001.
gnomAD v4.1: 9 of 1,209,930 alleles (0.00074%); highest among the groups gnomAD compares: Non-Finnish European, 0.001%; no homozygotes.

Submissions (4):

Labcorp Genetics (formerly Invitae), Labcorp
Classification: Uncertain significance for X-linked distal spinal muscular atrophy type 3; Cutis laxa, X-linked; Menkes kinky-hair syndrome. Last evaluated: 2025-12-30. Review status: criteria provided, single submitter. Criteria: Invitae Variant Classification Sherloc (09022015). Collection method: clinical testing. Allele origin: germline.
Comment: This sequence change replaces asparagine, which is neutral and polar, with aspartic acid, which is acidic and polar, at codon 533 of the ATP7A protein (p.Asn533Asp). This variant is not present in population databases (gnomAD no frequency). This variant has not been reported in the literature in individuals affected with ATP7A-related conditions. ClinVar contains an entry for this variant (Variation ID: 392357). Invitae Evidence Modeling of protein sequence and biophysical properties (such as structural, functional, and spatial information, amino acid conservation, physicochemical variation, residue mobility, and thermodynamic stability) indicates that this missense variant is not expected to disrupt ATP7A protein function with a negative predictive value of 95%. In summary, the available evidence is currently insufficient to determine the role of this variant in disease. Therefore, it has been classified as a Variant of Uncertain Significance.

ARUP Laboratories, Molecular Genetics and Genomics, ARUP Laboratories
Classification: Uncertain significance. Last evaluated: 2025-03-26. Review status: criteria provided, single submitter. Criteria: ARUP Molecular Germline Variant Investigation Process 2024. Collection method: clinical testing. Allele origin: germline.

GeneDx
Classification: Uncertain significance. Last evaluated: 2020-05-18. Review status: criteria provided, single submitter. Criteria: GeneDx Variant Classification Process June 2021. Collection method: clinical testing. Allele origin: germline. Affected: yes.
Comment: Not observed in large population cohorts (Lek et al., 2016); In silico analysis supports a deleterious effect on splicing; Has not been previously published as pathogenic or benign to our knowledge

Natera, Inc.
Classification: Uncertain significance for Menkes kinky hair syndrome. Last evaluated: 2021-09-09. Review status: no assertion criteria provided. Collection method: clinical testing. Allele origin: germline. Not counted in ClinVar's aggregate classification.